The following is an entry in ClinVar:

ClinVar aggregate classification (germline): Uncertain significance (0 of 4 stars; one submission).

Conditions:
CPE-related disorder. Also called: CPE-related condition.

gnomAD v4.1: 10 of 1,595,766 alleles (0.00063%); highest among the groups gnomAD compares: Admixed American, 0.018%; no homozygotes.

Submission:

PreventionGenetics, part of Exact Sciences
Classification: Uncertain significance for CPE-related condition. Last evaluated: 2024-09-19. Review status: no assertion criteria provided. Collection method: clinical testing. Allele origin: germline.
Comment: The CPE c.515T>C variant is predicted to result in the amino acid substitution p.Leu172Pro. This variant has been observed in an individual from a myelomeningocele cohort study; however, no clinical details were provided (reported using the genomic position 4:166388850:T:C in Table S5, Hebert et al. 2020. PubMed ID: 32970752). This variant is reported in 0.030% of alleles in individuals of Latino descent in gnomAD. At this time, the clinical significance of this variant is uncertain due to the absence of conclusive functional and genetic evidence.

NM_001873.4(CPE):c.515T>C (p.Leu172Pro)

Gene: CPE (carboxypeptidase E; plus strand). Cytogenetic location: 4q32.3.
Variant type: single nucleotide variant.
Coding change: c.515T>C on transcript NM_001873.4 (MANE Select); coding-DNA position 515, T replaced by C.
Protein change: p.Leu172Pro; replaces leucine 172 with proline.
Molecular consequence: missense variant.
Genome position (GRCh38, 1-based): chr4:165,467,698, T>C. VCF-style: chr4-165467698-T-C. GRCh37 (hg19) VCF-style: chr4-166388850-T-C.
Other names: short protein forms L172P.
Identifiers: ClinVar variation 3354215 (VCV003354215.1).